The following is an entry in ClinVar:

ClinVar aggregate classification (germline): Uncertain significance (1 of 4 stars; one submission).

Conditions:
Cornelia de Lange syndrome 3 (CDLS3). Also called: SMC3-Related Cornelia de Lange Syndrome; CORNELIA DE LANGE SYNDROME 3 WITH OR WITHOUT MIDLINE BRAIN DEFECTS. Identifiers: Orphanet 199, MedGen C1853099, MONDO:0012555, OMIM 610759.

Submission:

Juno Genomics, Hangzhou Juno Genomics, Inc
Classification: Uncertain significance for Cornelia de Lange syndrome 3. Review status: criteria provided, single submitter. Criteria: ACMG Guidelines, 2015. Collection method: clinical testing. Allele origin: germline.
Comment: Absent from controls (or at extremely low frequency if recessive) in Genome Aggregation Database.;Missense variant in a gene that has a low rate of benign missense variation.

NM_005445.4(SMC3):c.499G>A (p.Val167Met)

Gene: SMC3 (structural maintenance of chromosomes 3; plus strand). Cytogenetic location: 10q25.2.
Variant type: single nucleotide variant.
Coding change: c.499G>A on transcript NM_005445.4 (MANE Select); coding-DNA position 499, G replaced by A.
Protein change: p.Val167Met; replaces valine 167 with methionine.
Molecular consequence: missense variant.
Genome position (GRCh38, 1-based): chr10:110,580,973, G>A. VCF-style: chr10-110580973-G-A. GRCh37 (hg19) VCF-style: chr10-112340731-G-A.
Other names: short protein forms V167M.
Identifiers: ClinVar variation 5019192 (VCV005019192.2).